The following is an entry in ClinVar:

ClinVar aggregate classification (germline): Benign/Likely benign. Review status: criteria provided, multiple submitters, no conflicts (2 of 4 stars). 4 submissions from 4 submitters: Benign (2); Likely benign (2). Last evaluated 2026-01-19.

Conditions:
Catecholaminergic polymorphic ventricular tachycardia 1. Also called: VENTRICULAR TACHYCARDIA, STRESS-INDUCED POLYMORPHIC 1; VENTRICULAR TACHYCARDIA, CATECHOLAMINERGIC POLYMORPHIC, 1, WITH OR WITHOUT ATRIAL DYSFUNCTION AND/OR DILATED CARDIOMYOPATHY; RYR2-Related Catecholaminergic Polymorphic Ventricular Tachycardia. Identifiers: Orphanet 3286, MedGen C1631597, MONDO:0011484, OMIM 604772.
Cardiomyopathy (CMYO). Also called: Cardiomyopathies. Identifiers: Orphanet 167848, MedGen C0878544, MONDO:0004994, HP:0001638. Inheritance: Various modes of inheritance.

Allele frequency attached by ClinVar (database versions not stated): gnomAD exomes 0.00001 and 0.00004.
gnomAD v4.1: 13 of 1,608,238 alleles (0.00081%); highest among the groups gnomAD compares: East Asian, 0.027%; no homozygotes.

Submissions (4):

Labcorp Genetics (formerly Invitae), Labcorp
Classification: Likely benign for Catecholaminergic polymorphic ventricular tachycardia 1. Last evaluated: 2026-01-19. Review status: criteria provided, single submitter. Criteria: Invitae Variant Classification Sherloc (09022015). Collection method: clinical testing. Allele origin: germline.

Color Diagnostics, LLC DBA Color Health
Classification: Benign for Cardiomyopathy. Last evaluated: 2022-02-25. Review status: criteria provided, single submitter. Criteria: ACMG Guidelines, 2015. Collection method: clinical testing. Allele origin: germline.

Blueprint Genetics
Classification: Likely benign. Last evaluated: 2022-02-07. Review status: criteria provided, single submitter. Criteria: ACMG Guidelines, 2015. Collection method: clinical testing. Allele origin: germline.

Women's Health and Genetics/Laboratory Corporation of America, LabCorp
Classification: Benign. Last evaluated: 2019-06-24. Review status: criteria provided, single submitter. Criteria: LabCorp Variant Classification Summary - May 2015. Collection method: clinical testing. Allele origin: germline.
Comment: Variant summary: RYR2 c.8591-8A>G alters a nucleotide located close to a canonical splice site and therefore could affect mRNA splicing, leading to a significantly altered protein sequence. 5/5 computational tools predict no significant impact on normal splicing. However, these predictions have yet to be confirmed by functional studies. The variant allele was found at a frequency of 4e-05 in 247150 control chromosomes, predominantly at a frequency of 0.00056 within the East Asian subpopulation in the gnomAD database. The observed variant frequency within East Asian control individuals in the gnomAD database is approximately 22 fold of the estimated maximal expected allele frequency for a pathogenic variant in RYR2 causing Cardiomyopathy phenotype (2.5e-05), strongly suggesting that the variant is a benign polymorphism found primarily in populations of East Asian origin. To our knowledge, no occurrence of c.8591-8A>G in individuals affected with Cardiomyopathy and no experimental evidence demonstrating its impact on protein function have been reported. No clinical diagnostic laboratories have submitted clinical-significance assessments for this variant to ClinVar after 2014. Based on the evidence outlined above, the variant was classified as benign.

NM_001035.3(RYR2):c.8591-8A>G

Gene: RYR2 (ryanodine receptor 2; plus strand). Cytogenetic location: 1q43.
Variant type: single nucleotide variant.
Coding change: c.8591-8A>G on transcript NM_001035.3 (MANE Select); 8 bases into the intron before coding-DNA position 8591, A replaced by G.
Molecular consequence: intron variant.
Genome position (GRCh38, 1-based): chr1:237,674,088, A>G. VCF-style: chr1-237674088-A-G. GRCh37 (hg19) VCF-style: chr1-237837388-A-G.
Identifiers: ClinVar variation 928872 (VCV000928872.52), dbSNP rs1369273531, ClinGen allele CA529549805.